The following is an entry in ClinVar:

ClinVar aggregate classification (germline): Benign. Review status: criteria provided, single submitter (1 of 4 stars). 2 submissions from 2 submitters: Benign (1). 1 of the submissions does not count toward it. Last evaluated 2025-04-10.

Conditions:
ZFPM2-related disorder. Also called: ZFPM2-related condition.
46,XY sex reversal 9 (SRXY9). Also called: 46,XY SEX REVERSAL, ZFPM2-RELATED. Identifiers: Orphanet 251510, MedGen C4015129, MONDO:0014480, OMIM 616067.

Allele frequency attached by ClinVar (database versions not stated): gnomAD exomes 0.00003 and 0.00006; ExAC 0.00005; 1000 Genomes Project 30x 0.00016; 1000 Genomes Project 0.00020; gnomAD 0.00023 and 0.00025; ESP Exome Variant Server 0.00025; TOPMed 0.00028.
gnomAD v4.1: 73 of 1,612,456 alleles (0.0045%); highest among the groups gnomAD compares: African/African-American, 0.083%; no homozygotes.

Submissions (2):

Labcorp Genetics (formerly Invitae), Labcorp
Classification: Benign for 46,XY sex reversal 9. Last evaluated: 2025-04-10. Review status: criteria provided, single submitter. Criteria: Invitae Variant Classification Sherloc (09022015). Collection method: clinical testing. Allele origin: germline.

PreventionGenetics, part of Exact Sciences
Classification: Likely benign for ZFPM2-related condition. Last evaluated: 2022-09-15. Review status: no assertion criteria provided. Collection method: clinical testing. Allele origin: germline. Not counted in ClinVar's aggregate classification.
Comment: This variant is classified as likely benign based on ACMG/AMP sequence variant interpretation guidelines (Richards et al. 2015 PMID: 25741868, with internal and published modifications).

NM_012082.4(ZFPM2):c.258A>G (p.Lys86=)

Gene: ZFPM2 (zinc finger protein, FOG family member 2; plus strand). Cytogenetic location: 8q23.1.
Variant type: single nucleotide variant.
Coding change: c.258A>G on transcript NM_012082.4 (MANE Select); coding-DNA position 258, A replaced by G.
Protein change: p.Lys86=; no amino-acid change (lysine 86 retained).
Molecular consequence: synonymous variant. On other transcripts: 5 prime UTR variant (1).
Genome position (GRCh38, 1-based): chr8:105,444,338, A>G. VCF-style: chr8-105444338-A-G. GRCh37 (hg19) VCF-style: chr8-106456566-A-G.
Other names: c.99A>G, p.Lys33= (NM_001362836.2); c.-139A>G (NM_001362837.2); c.258A>G (NM_012082.3).
Identifiers: ClinVar variation 1168530 (VCV001168530.11), dbSNP rs200972094, ClinGen allele CA4839430.
Genomic context (GRCh38, chr8:105,444,338, plus strand): 5'-AGGTGATGATGAAGGAATCCAGGAGACAGCAGAATCAGATGGGGACACACAGTCAGAGAA[A>G]CCGGGGCAACCTGGAGTTGAGACAGACGACTGGGATGGACCAGGTAGGGGAGAATATTTA-3'
Protein context (NP_036214.2, residues 76-96): AESDGDTQSE[Lys86=]PGQPGVETDD